The following is an entry in ClinVar:

NM_001278716.2(FBXL4):c.105T>C (p.His35=)

Gene: FBXL4 (F-box and leucine rich repeat protein 4; minus strand). Cytogenetic location: 6q16.2.
Variant type: single nucleotide variant.
Coding change: c.105T>C on transcript NM_001278716.2 (MANE Select); coding-DNA position 105, T replaced by C.
Protein change: p.His35=; no amino-acid change (histidine 35 retained).
Molecular consequence: synonymous variant. On other transcripts: non-coding transcript variant (2).
Genome position (GRCh38, 1-based): chr6:98,926,884, A>G on the plus strand (T>C on the coding strand, the complement: FBXL4 is on the minus strand). VCF-style: chr6-98926884-A-G. GRCh37 (hg19) VCF-style: chr6-99374760-A-G.
Other names: c.105T>C, p.His35= (NM_012160.5).
Identifiers: ClinVar variation 437536 (VCV000437536.1), dbSNP rs34316889, ClinGen allele CA3933737.

ClinVar aggregate classification (germline): Uncertain significance (1 of 4 stars; one submission).

Conditions:
Mitochondrial DNA depletion syndrome 13. Also called: FBXL4-Related Encephalomyopathic Mitochondrial DNA Depletion Syndrome; Mitochondrial DNA depletion syndrome 13 (encephalomyopathic type). Identifiers: Orphanet 369897, MedGen C3809592, MONDO:0014198, OMIM 615471.

gnomAD v4.1: 3 of 1,614,096 alleles (0.00019%); highest among the groups gnomAD compares: East Asian, 0.0022%; no homozygotes.

Submission:

Wong Mito Lab, Molecular and Human Genetics, Baylor College of Medicine
Classification: Uncertain significance for Mitochondrial DNA depletion syndrome 13. Last evaluated: 2017-08-10. Review status: criteria provided, single submitter. Criteria: ACMG Guidelines, 2015. Collection method: reference population. Allele origin: germline.
Comment: The NM_012160.4:c.105T>C (NP_036292.2:p.His35=) [GRCH38: NC_000006.12:g.98926884A>G] variant in FBXL4 gene is interpretated to be a Uncertain Significance - Insufficient Evidence based on ACMG guidelines (PMID: 25741868). This variant meets one or more of the following evidence codes reported in the ACMG-guideline. PM2:This variant is absent in key population databases. PP3:Computational evidence/predictors indicate the variant has deleterious effect on FBXL4 structure, function, or protein-protein interaction. Based on this evidence code ClinGen Pathogenicity Calculator (PMID:28081714) suggested that the variant is Uncertain Significance - Insufficient Evidence.